The following is an entry in ClinVar:

NM_000053.4(ATP7B):c.1672G>C (p.Asp558His)

Gene: ATP7B (ATPase copper transporting beta; minus strand). Cytogenetic location: 13q14.3.
Variant type: single nucleotide variant.
Coding change: c.1672G>C on transcript NM_000053.4 (MANE Select); coding-DNA position 1672, G replaced by C.
Protein change: p.Asp558His; replaces aspartic acid 558 with histidine.
Molecular consequence: missense variant. On other transcripts: intron variant (1).
Genome position (GRCh38, 1-based): chr13:51,968,479, C>G on the plus strand (G>C on the coding strand, the complement: ATP7B is on the minus strand). VCF-style: chr13-51968479-C-G. GRCh37 (hg19) VCF-style: chr13-52542615-C-G.
Other names: c.1672G>C, p.Asp558His (NM_001005918.3, NM_001330578.2, NM_001330579.2 and 26 more transcripts); c.1339G>C, p.Asp447His (NM_001243182.2); c.1639G>C, p.Asp547His (NM_001406514.1, NM_001406524.1); c.1576G>C, p.Asp526His (NM_001406517.1, NM_001406518.1, NM_001406530.1 and 3 more transcripts); c.1243G>C, p.Asp415His (NM_001406539.1); c.1285+5456G>C (NM_001406548.1); short protein forms D415H, D447H, D547H, D526H, D558H.
Identifiers: ClinVar variation 3973820 (VCV003973820.1).

ClinVar aggregate classification (germline): Uncertain significance (1 of 4 stars; one submission).

Conditions:
Inborn genetic diseases. Identifiers: MedGen C0950123, MeSH D030342.

Submission:

Ambry Genetics
Classification: Uncertain significance for Inborn genetic diseases. Last evaluated: 2025-04-14. Review status: criteria provided, single submitter. Criteria: Ambry Variant Classification Scheme 2023. Collection method: clinical testing. Allele origin: germline.
Comment: The p.D558H variant (also known as c.1672G>C), located in coding exon 4 of the ATP7B gene, results from a G to C substitution at nucleotide position 1672. The aspartic acid at codon 558 is replaced by histidine, an amino acid with similar properties. This amino acid position is conserved. In addition, the in silico prediction for this alteration is inconclusive. Based on the available evidence, the clinical significance of this variant remains unclear.